The following is an entry in ClinVar:

ClinVar aggregate classification (germline): Uncertain significance. Review status: criteria provided, multiple submitters, no conflicts (2 of 4 stars). 2 submissions from 2 submitters: Uncertain significance (2). Last evaluated 2025-03-01.

Conditions:
Norman-Roberts syndrome (LIS2). Also called: Lissencephaly 2 (Norman-Roberts type). Identifiers: Orphanet 89844, MedGen C0796089, MONDO:0009760, OMIM 257320.
Familial temporal lobe epilepsy 7. Identifiers: Orphanet 101046, MedGen C4225327, MONDO:0014639, OMIM 616436.

Allele frequency attached by ClinVar (database versions not stated): gnomAD exomes below 0.00001.
gnomAD v4.1: 1 of 1,614,144 alleles (0.000062%); highest among the groups gnomAD compares: Admixed American, 0.0017%; no homozygotes.

Submissions (2):

CeGaT Center for Human Genetics Tuebingen
Classification: Uncertain significance. Last evaluated: 2025-03-01. Review status: criteria provided, single submitter. Criteria: CeGaT Center For Human Genetics Tuebingen Variant Classification Criteria Version 2. Collection method: clinical testing. Allele origin: germline. Affected: yes. Observed: 1 variant allele.
Comment: RELN: PM2

Labcorp Genetics (formerly Invitae), Labcorp
Classification: Uncertain significance for Familial temporal lobe epilepsy 7; Norman-Roberts syndrome. Last evaluated: 2023-06-19. Review status: criteria provided, single submitter. Criteria: Invitae Variant Classification Sherloc (09022015). Collection method: clinical testing. Allele origin: germline.
Comment: This variant has not been reported in the literature in individuals affected with RELN-related conditions. This sequence change replaces alanine, which is neutral and non-polar, with valine, which is neutral and non-polar, at codon 1493 of the RELN protein (p.Ala1493Val). This variant is present in population databases (no rsID available, gnomAD 0.003%). ClinVar contains an entry for this variant (Variation ID: 944677). Advanced modeling of protein sequence and biophysical properties (such as structural, functional, and spatial information, amino acid conservation, physicochemical variation, residue mobility, and thermodynamic stability) performed at Invitae indicates that this missense variant is not expected to disrupt RELN protein function. In summary, the available evidence is currently insufficient to determine the role of this variant in disease. Therefore, it has been classified as a Variant of Uncertain Significance.

NM_005045.4(RELN):c.4478C>T (p.Ala1493Val)

Gene: RELN (reelin; minus strand). Cytogenetic location: 7q22.1.
Variant type: single nucleotide variant.
Coding change: c.4478C>T on transcript NM_005045.4 (MANE Select); coding-DNA position 4478, C replaced by T.
Protein change: p.Ala1493Val; replaces alanine 1493 with valine.
Molecular consequence: missense variant.
Genome position (GRCh38, 1-based): chr7:103,574,125, G>A on the plus strand (C>T on the coding strand, the complement: RELN is on the minus strand). VCF-style: chr7-103574125-G-A. GRCh37 (hg19) VCF-style: chr7-103214572-G-A.
Other names: c.4478C>T, p.Ala1493Val (NM_173054.3); short protein forms A1493V.
Identifiers: ClinVar variation 944677 (VCV000944677.16), dbSNP rs1248208606, ClinGen allele CA368750295.